The following is an entry in ClinVar:

ClinVar aggregate classification (germline): Uncertain significance (1 of 4 stars; one submission).

Conditions:
Inborn genetic diseases. Identifiers: MedGen C0950123, MeSH D030342.

Submission:

Ambry Genetics
Classification: Uncertain significance for Inborn genetic diseases. Last evaluated: 2026-04-22. Review status: criteria provided, single submitter. Criteria: Ambry Variant Classification Scheme 2023. Collection method: clinical testing. Allele origin: germline.
Comment: The p.K261N variant (also known as c.783G>T), located in coding exon 5 of the RECQL4 gene, results from a G to T substitution at nucleotide position 783. The lysine at codon 261 is replaced by asparagine, an amino acid with similar properties. This amino acid position is conserved. In addition, this alteration is predicted to be tolerated by in silico analysis. Based on the available evidence, the clinical significance of this variant remains unclear.

NM_004260.4(RECQL4):c.783G>T (p.Lys261Asn)

Gene: RECQL4 (RecQ like helicase 4; minus strand). Cytogenetic location: 8q24.3.
Variant type: single nucleotide variant.
Coding change: c.783G>T on transcript NM_004260.4 (MANE Select); coding-DNA position 783, G replaced by T.
Protein change: p.Lys261Asn; replaces lysine 261 with asparagine.
Molecular consequence: missense variant. On other transcripts: 5 prime UTR variant (17), non-coding transcript variant (3).
Genome position (GRCh38, 1-based): chr8:144,516,336, C>A on the plus strand (G>T on the coding strand, the complement: RECQL4 is on the minus strand). VCF-style: chr8-144516336-C-A. GRCh37 (hg19) VCF-style: chr8-145741720-C-A.
Other names: c.783G>T, p.Lys261Asn (NM_001413017.1, NM_001413018.1, NM_001413019.1 and 4 more transcripts); c.-289G>T (NM_001413021.1, NM_001413022.1, NM_001413023.1 and 7 more transcripts); c.654G>T, p.Lys218Asn (NM_001413025.1); c.-351G>T (NM_001413027.1, NM_001413030.1, NM_001413031.1 and 2 more transcripts); c.432G>T, p.Lys144Asn (NM_001413029.1); c.-193G>T (NM_001413034.1); c.-558G>T (NM_001413043.1); short protein forms K144N, K218N, K261N.
Identifiers: ClinVar variation 4863172 (VCV004863172.1).